The following is an entry in ClinVar:

ClinVar aggregate classification (germline): Uncertain significance (1 of 4 stars; one submission).

Conditions:
Microcephaly 1, primary, autosomal recessive (MCPH1). Also called: PREMATURE CHROMOSOME CONDENSATION SYNDROME; PCC SYNDROME; PREMATURE CHROMOSOME CONDENSATION WITH MICROCEPHALY AND MENTAL RETARDATION. Identifiers: Orphanet 2512, MedGen C1855081, MONDO:0009617, OMIM 251200.

Submission:

Myriad Genetics, Inc.
Classification: Uncertain significance for Microcephaly 1, primary, autosomal recessive. Last evaluated: 2026-07-13. Review status: criteria provided, single submitter. Criteria: Myriad Autosomal Dominant, Autosomal Recessive and X-Linked Classification Criteria (2023). Collection method: clinical testing. Allele origin: unknown.
Comment: NM_024596.3(MCPH1):c.2429_2431dupATC(Y810_L811insH) is an in-frame insertion classified as a variant of uncertain significance in the context of primary microcephaly, MCPH1-related. Y810_L811insH has not been observed in cases with relevant disease. Relevant functional assessments of this variant are not available in the literature. Y810_L811insH has not been observed in referenced population frequency databases. In summary, there is insufficient evidence to classify NM_024596.3(MCPH1):c.2429_2431dupATC(Y810_L811insH) as pathogenic or benign. Please note: this variant was assessed in the context of healthy population screening.

NM_024596.5(MCPH1):c.2429_2431dup (p.Tyr810_Leu811insHis)

Genes: MCPH1 (microcephalin 1; plus strand), MCPH1-AS1 (MCPH1 antisense RNA 1; minus strand). Cytogenetic location: 8p23.1.
Variant type: Duplication.
Coding change: c.2429_2431dup on transcript NM_024596.5 (MANE Select); coding-DNA positions 2429 to 2431, 3 bases duplicated (ATC; older notation c.2429_2431dupATC).
Protein change: p.Tyr810_Leu811insHis.
Molecular consequence: inframe insertion.
Genome position (GRCh38, 1-based): chr8:6,621,668-6,621,670, ATC duplicated. VCF-style (leftmost placement, unchanged base first): chr8-6621667-T-TATC. GRCh37 (hg19) VCF-style: chr8-6479188-T-TATC.
Other names: c.2429_2431dup, p.Tyr810_Leu811insHis (NM_001322042.2, NM_001363979.1, NM_001410917.1); c.2150_2152dup, p.Tyr717_Leu718insHis (NM_001363980.2).
Identifiers: ClinVar variation 5003973 (VCV005003973.1).